The following is an entry in ClinVar:

ClinVar aggregate classification (germline): Uncertain significance (1 of 4 stars; one submission).

Allele frequency attached by ClinVar (database versions not stated): gnomAD exomes below 0.00001; TOPMed below 0.00001; gnomAD 0.00001.
gnomAD v4.1: 4 of 1,607,670 alleles (0.00025%); highest among the groups gnomAD compares: South Asian, 0.0011%; no homozygotes.

Submission:

Labcorp Genetics (formerly Invitae), Labcorp
Classification: Uncertain significance. Last evaluated: 2022-11-01. Review status: criteria provided, single submitter. Criteria: Invitae Variant Classification Sherloc (09022015). Collection method: clinical testing. Allele origin: germline.
Comment: This sequence change affects codon 633 of the COL11A1 mRNA. It is a 'silent' change, meaning that it does not change the encoded amino acid sequence of the COL11A1 protein. This variant also falls at the last nucleotide of exon 19, which is part of the consensus splice site for this exon. This variant is not present in population databases (gnomAD no frequency). This variant has not been reported in the literature in individuals affected with COL11A1-related conditions. Variants that disrupt the consensus splice site are a relatively common cause of aberrant splicing (PMID: 17576681, 9536098). Algorithms developed to predict the effect of sequence changes on RNA splicing suggest that this variant is not likely to affect RNA splicing. In summary, the available evidence is currently insufficient to determine the role of this variant in disease. Therefore, it has been classified as a Variant of Uncertain Significance.

Literature cited by the submitters: PubMed 17576681; PubMed 9536098.

NM_001854.4(COL11A1):c.1899G>A (p.Arg633=)

Gene: COL11A1 (collagen type XI alpha 1 chain; minus strand). Cytogenetic location: 1p21.1.
Variant type: single nucleotide variant.
Coding change: c.1899G>A on transcript NM_001854.4 (MANE Select); coding-DNA position 1899, G replaced by A.
Protein change: p.Arg633=; no amino-acid change (arginine 633 retained).
Molecular consequence: synonymous variant. On other transcripts: non-coding transcript variant (1).
Genome position (GRCh38, 1-based): chr1:103,004,608, C>T on the plus strand (G>A on the coding strand, the complement: COL11A1 is on the minus strand). VCF-style: chr1-103004608-C-T. GRCh37 (hg19) VCF-style: chr1-103470164-C-T.
Other names: c.1551G>A, p.Arg517= (NM_001168249.1, NM_080630.4); c.1782G>A, p.Arg594= (NM_001190709.2); c.1935G>A, p.Arg645= (NM_080629.3).
Identifiers: ClinVar variation 1955434 (VCV001955434.5), dbSNP rs1665425048, ClinGen allele CA419206962.